The following is an entry in ClinVar:

ClinVar aggregate classification (germline): Pathogenic. Review status: criteria provided, multiple submitters, no conflicts (2 of 4 stars). 2 submissions from 2 submitters: Pathogenic (2). Last evaluated 2024-06-07.

Conditions:
Mucopolysaccharidosis, MPS-II (MPS2). Also called: Mucopolysaccharidosis type 2; Hunter Syndrome; IDURONATE 2-SULFATASE DEFICIENCY; Mucopolysaccharidosis Type II; IDS deficiency; Sulfoiduronate sulfatase deficiency. Identifiers: Orphanet 580, Orphanet 79388, MedGen C0026705, MONDO:0010674, OMIM 309900.

Submissions (2):

Laboratory of Diagnosis and Therapy of Lysosomal Disorders, University of Padova
Classification: Pathogenic for Mucopolysaccharidosis, MPS-II. Last evaluated: 2024-06-07. Review status: criteria provided, single submitter. Criteria: ACMG Guidelines, 2015. Collection method: literature only. Allele origin: germline. Affected: yes. Observed: 1 variant allele.
Comment: Null variant (PVS1_VeryStrong), De novo (PS2_Moderate), Absent from controls (or at low frequency) in gnomAD database (PM2_Moderate), Patient’s phenotype or family history highly specific for the disease (PP4_Moderate)

Classification method: ACMG Guidelines [PMID:25741868] with modifications

Department of Medical Genetics, Sanjay Gandhi Post Graduate Institute of Medical Sciences
Classification: Pathogenic for Mucopolysaccharidosis, MPS-II. Review status: criteria provided, single submitter. Criteria: ACMG Guidelines, 2015. Collection method: clinical testing. Allele origin: germline. Inheritance: X-linked recessive inheritance. Affected: yes. Observed: 1 variant allele, 1 hemizygote.

Literature cited by the submitters: PubMed 35144014 (cited by Laboratory of Diagnosis and Therapy of Lysosomal Disorders, University of Padova).

NM_000202.8(IDS):c.955del (p.Asp319fs)

Genes: IDS (iduronate 2-sulfatase; minus strand), LOC106050102 (IDS recombination region; plus strand). Cytogenetic location: Xq28.
Variant type: Deletion.
Coding change: c.955del on transcript NM_000202.8 (MANE Select); coding-DNA position 955, one base deleted (G; older notation c.955delG).
Protein change: p.Asp319fs; shifts the reading frame from aspartic acid 319.
Molecular consequence: frameshift variant. On other transcripts: non-coding transcript variant (1).
Genome position (GRCh38, 1-based): chrX:149,490,365, C deleted on the plus strand (G on the coding strand, the reverse complement: IDS is on the minus strand); the first of 2 consecutive C bases (chrX:149,490,365-149,490,366); deleting either gives the same sequence. VCF-style (leftmost placement, unchanged base first): chrX-149490364-TC-T. GRCh37 (hg19) VCF-style: chrX-148571895-TC-T.
Other names: c.685del, p.Asp229fs (NM_001166550.4); c.955del, p.Asp319fs (NM_006123.5); short protein forms D229fs, D319fs.
Identifiers: ClinVar variation 997040 (VCV000997040.3), dbSNP rs2124020278, ClinGen allele CA2499226417.